The following is an entry in ClinVar:

NM_001128159.3(VPS53):c.488+90A>G

Gene: VPS53 (VPS53 subunit of GARP complex; minus strand). Cytogenetic location: 17p13.3.
Variant type: single nucleotide variant.
Coding change: c.488+90A>G on transcript NM_001128159.3 (MANE Select); 90 bases into the intron after coding-DNA position 488, A replaced by G.
Molecular consequence: intron variant.
Genome position (GRCh38, 1-based): chr17:655,748, T>C on the plus strand (A>G on the coding strand, the complement: VPS53 is on the minus strand). VCF-style: chr17-655748-T-C. GRCh37 (hg19) VCF-style: chr17-558988-T-C.
Other names: c.401+90A>G (NM_018289.4); c.488+90A>G (NM_001366253.2); c.-205+90A>G (NM_001366254.2).
Identifiers: ClinVar variation 678903 (VCV000678903.2), dbSNP rs74965944, ClinGen allele CA286671897.
Genomic context (GRCh38, chr17:655,748, plus strand): 5'-AAAATGGTGACTGAACACTTGAAGCCAATTTGCAGAAAGTGGGGCAGGATGGTGAGACTT[T>C]CCTGGCTGAGAAGTAAATAGGCGACAACACCATTTTCTCTATGCGATACATTTCCCGTGG-3'

ClinVar aggregate classification (germline): Likely benign. Review status: criteria provided, multiple submitters, no conflicts (2 of 4 stars). 2 submissions from 2 submitters: Likely benign (2). Last evaluated 2018-06-14.

Allele frequency attached by ClinVar (database versions not stated): 1000 Genomes Project 0.00280; 1000 Genomes Project 30x 0.00281; TOPMed 0.00497; gnomAD 0.00605 and 0.00619; gnomAD exomes 0.00807.
gnomAD v4.1: 9,568 of 1,235,762 alleles (0.77%); highest among the groups gnomAD compares: Non-Finnish European, 0.92%; 47 homozygotes.

Submissions (2):

GeneDx
Classification: Likely benign. Last evaluated: 2018-06-14. Review status: criteria provided, single submitter. Criteria: GeneDx Variant Classification (06012015). Collection method: clinical testing. Allele origin: germline. Affected: yes.
Comment: This variant is considered likely benign or benign based on one or more of the following criteria: it is a conservative change, it occurs at a poorly conserved position in the protein, it is predicted to be benign by multiple in silico algorithms, and/or has population frequency not consistent with disease.

Breakthrough Genomics
Classification: Likely benign. Review status: criteria provided, single submitter. Criteria: ACMG Guidelines, 2015. Collection method: not provided. Allele origin: germline. Inheritance: Autosomal recessive inheritance. Affected: yes.